The following is an entry in ClinVar:

NM_001363711.2(DUOX2):c.2030G>C (p.Arg677Thr)

Gene: DUOX2 (dual oxidase 2; minus strand). Cytogenetic location: 15q21.1.
Variant type: single nucleotide variant.
Coding change: c.2030G>C on transcript NM_001363711.2 (MANE Select); coding-DNA position 2030, G replaced by C.
Protein change: p.Arg677Thr; replaces arginine 677 with threonine.
Molecular consequence: missense variant.
Genome position (GRCh38, 1-based): chr15:45,106,243, C>G on the plus strand (G>C on the coding strand, the complement: DUOX2 is on the minus strand). VCF-style: chr15-45106243-C-G. GRCh37 (hg19) VCF-style: chr15-45398441-C-G.
Other names: c.2030G>C, p.Arg677Thr (NM_014080.5); short protein forms R677T.
Identifiers: ClinVar variation 4781144 (VCV004781144.1).

ClinVar aggregate classification (germline): Uncertain significance (1 of 4 stars; one submission).

Submission:

Labcorp Genetics (formerly Invitae), Labcorp
Classification: Uncertain significance. Last evaluated: 2025-06-15. Review status: criteria provided, single submitter. Criteria: Invitae Variant Classification Sherloc (09022015). Collection method: clinical testing. Allele origin: germline.
Comment: This sequence change replaces arginine, which is basic and polar, with threonine, which is neutral and polar, at codon 677 of the DUOX2 protein (p.Arg677Thr). This variant is not present in population databases (gnomAD no frequency). This variant has not been reported in the literature in individuals affected with DUOX2-related conditions. Invitae Evidence Modeling of protein sequence and biophysical properties (such as structural, functional, and spatial information, amino acid conservation, physicochemical variation, residue mobility, and thermodynamic stability) indicates that this missense variant is not expected to disrupt DUOX2 protein function with a negative predictive value of 80%. In summary, the available evidence is currently insufficient to determine the role of this variant in disease. Therefore, it has been classified as a Variant of Uncertain Significance.